The following is an entry in ClinVar:

ClinVar aggregate classification (germline): Uncertain significance (1 of 4 stars; one submission).

Allele frequency attached by ClinVar (database versions not stated): gnomAD exomes below 0.00001; ExAC 0.00001; gnomAD 0.00001; TOPMed 0.00001.

Submission:

Labcorp Genetics (formerly Invitae), Labcorp
Classification: Uncertain significance. Last evaluated: 2024-06-03. Review status: criteria provided, single submitter. Criteria: Invitae Variant Classification Sherloc (09022015). Collection method: clinical testing. Allele origin: germline.
Comment: This sequence change replaces proline, which is neutral and non-polar, with serine, which is neutral and polar, at codon 1021 of the MYO15A protein (p.Pro1021Ser). This variant is present in population databases (rs770732529, gnomAD 0.04%). This variant has not been reported in the literature in individuals affected with MYO15A-related conditions. ClinVar contains an entry for this variant (Variation ID: 1904985). Advanced modeling of protein sequence and biophysical properties (such as structural, functional, and spatial information, amino acid conservation, physicochemical variation, residue mobility, and thermodynamic stability) performed at Invitae indicates that this missense variant is not expected to disrupt MYO15A protein function with a negative predictive value of 95%. In summary, the available evidence is currently insufficient to determine the role of this variant in disease. Therefore, it has been classified as a Variant of Uncertain Significance.

NM_016239.4(MYO15A):c.3061C>T (p.Pro1021Ser)

Gene: MYO15A (myosin XVA; plus strand). Cytogenetic location: 17p11.2.
Variant type: single nucleotide variant.
Coding change: c.3061C>T on transcript NM_016239.4 (MANE Select); coding-DNA position 3061, C replaced by T.
Protein change: p.Pro1021Ser; replaces proline 1021 with serine.
Molecular consequence: missense variant.
Genome position (GRCh38, 1-based): chr17:18,121,861, C>T. VCF-style: chr17-18121861-C-T. GRCh37 (hg19) VCF-style: chr17-18025175-C-T.
Other names: short protein forms P1021S.
Identifiers: ClinVar variation 1904985 (VCV001904985.4), dbSNP rs770732529, ClinGen allele CA8423366.